The following is an entry in ClinVar:

NM_002693.3(POLG):c.2639C>A (p.Ala880Asp)

Gene: POLG (DNA polymerase gamma, catalytic subunit; minus strand). Cytogenetic location: 15q26.1.
Variant type: single nucleotide variant.
Coding change: c.2639C>A on transcript NM_002693.3 (MANE Select); coding-DNA position 2639, C replaced by A.
Protein change: p.Ala880Asp; replaces alanine 880 with aspartic acid.
Molecular consequence: missense variant.
Genome position (GRCh38, 1-based): chr15:89,321,220, G>T on the plus strand (C>A on the coding strand, the complement: POLG is on the minus strand). VCF-style: chr15-89321220-G-T. GRCh37 (hg19) VCF-style: chr15-89864451-G-T.
Other names: c.2639C>A, p.Ala880Asp (NM_001126131.2); short protein forms A880D.
Identifiers: ClinVar variation 1807553 (VCV001807553.5), dbSNP rs1378786011, ClinGen allele CA393753827.
Genomic context (GRCh38, chr15:89,321,220, plus strand): 5'-GCTGCAATCCACAGCTCTTGGGAGTCCACATCAGCACCCACAAGGGTGTAGCCAGGTGGG[G>T]CCTGCACCATGGCTTTCAACTCACTGCCTACTCGGTCAGGCTGTGGGAAGAGTGAGATAC-3'
Protein context (NP_002684.1, residues 870-890): VGSELKAMVQ[Ala880Asp]PPGYTLVGAD

ClinVar aggregate classification (germline): Conflicting classifications of pathogenicity. Review status: criteria provided, conflicting classifications (1 of 4 stars). 3 submissions from 3 submitters: Likely pathogenic (1); Uncertain significance (2). Last evaluated 2025-06-13.

Conditions:
Progressive sclerosing poliodystrophy (MTDPS4A). Also called: Alpers-Huttenlocher Syndrome; Mitochondrial DNA Depletion Syndrome 4A; ALPERS PROGRESSIVE INFANTILE POLIODYSTROPHY; NEURONAL DEGENERATION OF CHILDHOOD WITH LIVER DISEASE, PROGRESSIVE; Alpers-Huttenlocher Syndrome (AHS); Alpers Syndrome. Identifiers: Orphanet 726, MedGen C0205710, MONDO:0008758, OMIM 203700.

Allele frequency attached by ClinVar (database versions not stated): TOPMed below 0.00001; gnomAD 0.00001.

Submissions (3):

Women's Health and Genetics/Laboratory Corporation of America, LabCorp
Classification: Uncertain significance. Last evaluated: 2025-06-13. Review status: criteria provided, single submitter. Criteria: LabCorp Variant Classification Summary - May 2015. Collection method: clinical testing. Allele origin: germline.
Comment: Variant summary: POLG c.2639C>A (p.Ala880Asp) results in a non-conservative amino acid change in the encoded protein sequence. Algorithms developed to predict the effect of missense changes on protein structure and function all suggest that this variant is likely to be disruptive. The variant was absent in 251136 control chromosomes. The available data on variant occurrences in the general population are insufficient to allow any conclusion about variant significance. c.2639C>A has been observed in at least one compound heterozygous individual affected with Mitochondrial DNA Depletion Syndrome - POLG Related (e.g. Pronicka_2016). These data do not allow any conclusion about variant significance. To our knowledge, no experimental evidence demonstrating an impact on protein function has been reported. The following publication has been ascertained in the context of this evaluation (PMID: 27290639). ClinVar contains an entry for this variant (Variation ID: 1807553). Based on the evidence outlined above, the variant was classified as uncertain significance.

Labcorp Genetics (formerly Invitae), Labcorp
Classification: Likely pathogenic for Progressive sclerosing poliodystrophy. Last evaluated: 2023-09-13. Review status: criteria provided, single submitter. Criteria: Invitae Variant Classification Sherloc (09022015). Collection method: clinical testing. Allele origin: germline.
Comment: In summary, the currently available evidence indicates that the variant is pathogenic, but additional data are needed to prove that conclusively. Therefore, this variant has been classified as Likely Pathogenic. Advanced modeling of protein sequence and biophysical properties (such as structural, functional, and spatial information, amino acid conservation, physicochemical variation, residue mobility, and thermodynamic stability) performed at Invitae indicates that this missense variant is expected to disrupt POLG protein function. ClinVar contains an entry for this variant (Variation ID: 1807553). This missense change has been observed in individuals with autosomal recessive POLG-related conditions (PMID: 27290639, 30423451, 33486010). This variant is not present in population databases (gnomAD no frequency). This sequence change replaces alanine, which is neutral and non-polar, with aspartic acid, which is acidic and polar, at codon 880 of the POLG protein (p.Ala880Asp).

Athena Diagnostics
Classification: Uncertain significance. Last evaluated: 2021-06-15. Review status: criteria provided, single submitter. Criteria: Athena Diagnostics Criteria. Collection method: clinical testing. Allele origin: unknown.

Literature cited by the submitters: PubMed 27290639 (cited by 3 submitters); PubMed 30423451 (cited by Labcorp Genetics (formerly Invitae), Labcorp); PubMed 33486010 (cited by Labcorp Genetics (formerly Invitae), Labcorp).